The following is an entry in ClinVar:

ClinVar aggregate classification (germline): Uncertain significance (1 of 4 stars; one submission).

Conditions:
Charcot-Marie-Tooth disease axonal type 2Z. Also called: CHARCOT-MARIE-TOOTH DISEASE, AXONAL, AUTOSOMAL DOMINANT, TYPE 2Z; CHARCOT-MARIE-TOOTH NEUROPATHY, TYPE 2Z. Identifiers: Orphanet 466768, MedGen C5569025, MONDO:0014736, OMIM 616688.

Allele frequency attached by ClinVar (database versions not stated): gnomAD 0.00001.
gnomAD v4.1: 7 of 1,613,866 alleles (0.00043%); highest among the groups gnomAD compares: Middle Eastern, 0.017%; no homozygotes.

Submission:

Labcorp Genetics (formerly Invitae), Labcorp
Classification: Uncertain significance for Charcot-Marie-Tooth disease axonal type 2Z. Last evaluated: 2024-01-20. Review status: criteria provided, single submitter. Criteria: Invitae Variant Classification Sherloc (09022015). Collection method: clinical testing. Allele origin: germline.
Comment: This sequence change replaces leucine, which is neutral and non-polar, with valine, which is neutral and non-polar, at codon 483 of the MORC2 protein (p.Leu483Val). This variant is not present in population databases (gnomAD no frequency). This variant has not been reported in the literature in individuals affected with MORC2-related conditions. ClinVar contains an entry for this variant (Variation ID: 658074). Advanced modeling of protein sequence and biophysical properties (such as structural, functional, and spatial information, amino acid conservation, physicochemical variation, residue mobility, and thermodynamic stability) performed at Invitae indicates that this missense variant is not expected to disrupt MORC2 protein function with a negative predictive value of 95%. In summary, the available evidence is currently insufficient to determine the role of this variant in disease. Therefore, it has been classified as a Variant of Uncertain Significance.

NM_001303256.3(MORC2):c.1447C>G (p.Leu483Val)

Gene: MORC2 (MORC family CW-type zinc finger 2; minus strand). Cytogenetic location: 22q12.2.
Variant type: single nucleotide variant.
Coding change: c.1447C>G on transcript NM_001303256.3 (MANE Select); coding-DNA position 1447, C replaced by G.
Protein change: p.Leu483Val; replaces leucine 483 with valine.
Molecular consequence: missense variant.
Genome position (GRCh38, 1-based): chr22:30,937,634, G>C on the plus strand (C>G on the coding strand, the complement: MORC2 is on the minus strand). VCF-style: chr22-30937634-G-C. GRCh37 (hg19) VCF-style: chr22-31333621-G-C.
Other names: c.1447C>G, p.Leu483Val (NM_001303257.2); c.1261C>G, p.Leu421Val (NM_014941.3); short protein forms L483V, L421V.
Identifiers: ClinVar variation 658074 (VCV000658074.11), dbSNP rs367704663, ClinGen allele CA323272865.